The following is an entry in ClinVar:

ClinVar aggregate classification (germline): Uncertain significance (1 of 4 stars; one submission).

Conditions:
Wilms tumor 1 (WT1). Also called: Wilms tumor, somatic. Identifiers: Orphanet 654, MedGen CN033288, MONDO:0008679, OMIM 194070.

Submission:

Labcorp Genetics (formerly Invitae), Labcorp
Classification: Uncertain significance for Wilms tumor 1. Last evaluated: 2021-11-09. Review status: criteria provided, single submitter. Criteria: Invitae Variant Classification Sherloc (09022015). Collection method: clinical testing. Allele origin: germline.
Comment: This sequence change replaces asparagine, which is neutral and polar, with aspartic acid, which is acidic and polar, at codon 439 of the GPC3 protein (p.Asn439Asp). This variant is not present in population databases (gnomAD no frequency). This variant has not been reported in the literature in individuals affected with GPC3-related conditions. ClinVar contains an entry for this variant (Variation ID: 1018138). Algorithms developed to predict the effect of missense changes on protein structure and function (SIFT, PolyPhen-2, Align-GVGD) all suggest that this variant is likely to be tolerated. In summary, the available evidence is currently insufficient to determine the role of this variant in disease. Therefore, it has been classified as a Variant of Uncertain Significance.

NM_004484.4(GPC3):c.1315A>G (p.Asn439Asp)

Gene: GPC3 (glypican 3; minus strand). Cytogenetic location: Xq26.2.
Variant type: single nucleotide variant.
Coding change: c.1315A>G on transcript NM_004484.4 (MANE Select); coding-DNA position 1315, A replaced by G.
Protein change: p.Asn439Asp; replaces asparagine 439 with aspartic acid.
Molecular consequence: missense variant.
Genome position (GRCh38, 1-based): chrX:133,661,828, T>C on the plus strand (A>G on the coding strand, the complement: GPC3 is on the minus strand). VCF-style: chrX-133661828-T-C. GRCh37 (hg19) VCF-style: chrX-132795856-T-C.
Other names: c.1384A>G, p.Asn462Asp (NM_001164617.2); c.1267A>G, p.Asn423Asp (NM_001164618.2); c.1153A>G, p.Asn385Asp (NM_001164619.2); short protein forms N385D, N423D, N439D, N462D.
Identifiers: ClinVar variation 1018138 (VCV001018138.7), dbSNP rs2070729852, ClinGen allele CA414704774.